The following is an entry in ClinVar:

ClinVar aggregate classification (germline): Conflicting classifications of pathogenicity. Review status: criteria provided, conflicting classifications (1 of 4 stars). 4 submissions from 4 submitters: Uncertain significance (3); Likely benign (1). Last evaluated 2025-10-13.

Conditions:
Hereditary cancer-predisposing syndrome. Also called: Tumor predisposition; Neoplastic Syndromes, Hereditary; Hereditary Cancer Syndrome; Hereditary neoplastic syndrome. Identifiers: Orphanet 140162, MedGen C0027672, MeSH D009386, MONDO:0015356.
Hereditary breast ovarian cancer syndrome. Also called: Hereditary breast and ovarian cancer; Breast and ovarian cancer; Hereditary breast and/or ovarian cancer syndrome; Hereditary breast and ovarian cancer syndrome (HBOC); BRCA1- and BRCA2-Associated Hereditary Breast and Ovarian Cancer; Hereditary breast and ovarian cancer syndrome. Identifiers: Orphanet 145, MedGen C0677776, MeSH D061325, MONDO:0003582. Disease mechanism: loss of function.
Breast-ovarian cancer, familial, susceptibility to, 2 (BROVCA2). Also called: BRCA2 Hereditary Breast and Ovarian Cancer. Identifiers: Orphanet 145, MedGen C2675520, MONDO:0012933, OMIM 612555. Disease mechanism: loss of function.

gnomAD v4.1: 1 of 1,612,498 alleles (0.000062%); highest among the groups gnomAD compares: African/African-American, 0.0013%; no homozygotes.

Submissions (4):

Labcorp Genetics (formerly Invitae), Labcorp
Classification: Uncertain significance for Hereditary breast ovarian cancer syndrome. Last evaluated: 2025-10-13. Review status: criteria provided, single submitter. Criteria: Invitae Variant Classification Sherloc (09022015). Collection method: clinical testing. Allele origin: germline.
Comment: This sequence change replaces serine, which is neutral and polar, with cysteine, which is neutral and slightly polar, at codon 2216 of the BRCA2 protein (p.Ser2216Cys). This variant is not present in population databases (gnomAD no frequency). This variant has not been reported in the literature in individuals affected with BRCA2-related conditions. ClinVar contains an entry for this variant (Variation ID: 479382). Invitae Evidence Modeling of protein sequence and biophysical properties (such as structural, functional, and spatial information, amino acid conservation, physicochemical variation, residue mobility, and thermodynamic stability) indicates that this missense variant is not expected to disrupt BRCA2 protein function with a negative predictive value of 95%. In summary, the available evidence is currently insufficient to determine the role of this variant in disease. Therefore, it has been classified as a Variant of Uncertain Significance.

All of Us Research Program, National Institutes of Health
Classification: Uncertain significance for Breast-ovarian cancer, familial, susceptibility to, 2. Last evaluated: 2023-04-10. Review status: criteria provided, single submitter. Criteria: ACMG Guidelines, 2015. Collection method: clinical testing. Allele origin: germline. Inheritance: Autosomal dominant inheritance. Observed: 1 variant allele, 1 heterozygote.
Comment: This missense variant replaces serine with cysteine at codon 2216 of the BRCA2 protein. Computational prediction suggests that this variant may not impact protein structure and function (internally defined REVEL score threshold <= 0.5, PMID: 27666373). To our knowledge, functional studies have not been reported for this variant. This variant has not been reported in individuals affected with BRCA2-related disorders in the literature. This variant has not been identified in the general population by the Genome Aggregation Database (gnomAD). The available evidence is insufficient to determine the role of this variant in disease conclusively. Therefore, this variant is classified as a Variant of Uncertain Significance.

This study involves interpretation of variants in research participants for the purpose of population health screening. Participant phenotype was not available at the time of variant classification. Additional details can be found in publication PMID: 35346344, PMCID: PMC8962531

University of Washington Department of Laboratory Medicine, University of Washington
Classification: Likely benign for Hereditary cancer-predisposing syndrome. Last evaluated: 2023-03-23. Review status: criteria provided, single submitter. Criteria: Dines et al. (Genet Med. 2020). Collection method: curation. Allele origin: germline.
Comment: Missense variant in a coldspot region where missense variants are very unlikely to be pathogenic (PMID:31911673).

BRCA2 exon 11 coldspot. Reclassification based on statistical prior probability.

Ambry Genetics
Classification: Uncertain significance for Hereditary cancer-predisposing syndrome. Last evaluated: 2017-02-13. Review status: criteria provided, single submitter. Criteria: Ambry Variant Classification Scheme 2023. Collection method: clinical testing. Allele origin: germline.
Comment: The p.S2216C variant (also known as c.6647C>G), located in coding exon 10 of the BRCA2 gene, results from a C to G substitution at nucleotide position 6647. The serine at codon 2216 is replaced by cysteine, an amino acid with dissimilar properties. This amino acid position is not well conserved in available vertebrate species. In addition, the in silico prediction for this alteration is inconclusive. Since supporting evidence is limited at this time, the clinical significance of this alteration remains unclear.

NM_000059.4(BRCA2):c.6647C>G (p.Ser2216Cys)

Gene: BRCA2 (BRCA2 DNA repair associated; plus strand). Cytogenetic location: 13q13.1.
Variant type: single nucleotide variant.
Coding change: c.6647C>G on transcript NM_000059.4 (MANE Select); coding-DNA position 6647, C replaced by G.
Protein change: p.Ser2216Cys; replaces serine 2216 with cysteine.
Molecular consequence: missense variant.
Genome position (GRCh38, 1-based): chr13:32,341,002, C>G. VCF-style: chr13-32341002-C-G. GRCh37 (hg19) VCF-style: chr13-32915139-C-G.
Other names: short protein forms S2216C.
Identifiers: ClinVar variation 479382 (VCV000479382.10), dbSNP rs1555284777, ClinGen allele CA387790379.